The following is an entry in ClinVar:

NM_020937.4(FANCM):c.2714A>T (p.Glu905Val)

Gene: FANCM (FA complementation group M; plus strand). Cytogenetic location: 14q21.2.
Variant type: single nucleotide variant.
Coding change: c.2714A>T on transcript NM_020937.4 (MANE Select); coding-DNA position 2714, A replaced by T.
Protein change: p.Glu905Val; replaces glutamic acid 905 with valine.
Molecular consequence: missense variant.
Genome position (GRCh38, 1-based): chr14:45,175,468, A>T. VCF-style: chr14-45175468-A-T. GRCh37 (hg19) VCF-style: chr14-45644671-A-T.
Other names: c.2636A>T, p.Glu879Val (NM_001308133.2); short protein forms E905V, E879V.
Identifiers: ClinVar variation 961206 (VCV000961206.12), dbSNP rs770155583, ClinGen allele CA7169394.

ClinVar aggregate classification (germline): Uncertain significance. Review status: criteria provided, multiple submitters, no conflicts (2 of 4 stars). 5 submissions from 5 submitters: Uncertain significance (5). Last evaluated 2024-12-08.

Conditions:
Inborn genetic diseases. Identifiers: MedGen C0950123, MeSH D030342.
Fanconi anemia (FA). Also called: Fanconi's anemia. Identifiers: Orphanet 84, MedGen C0015625, MeSH D005199, MONDO:0019391.
Spermatogenic failure 28. Identifiers: MedGen C4748117, MONDO:0054732, OMIM 618086.
Premature ovarian failure 15. Identifiers: MedGen C4748170, MONDO:0054862, OMIM 618096.

Allele frequency attached by ClinVar (database versions not stated): TOPMed below 0.00001; ExAC 0.00001; gnomAD 0.00001; gnomAD exomes 0.00001.

Submissions (5):

Ambry Genetics
Classification: Uncertain significance for Inborn genetic diseases. Last evaluated: 2024-12-08. Review status: criteria provided, single submitter. Criteria: Ambry Variant Classification Scheme 2023. Collection method: clinical testing. Allele origin: germline.
Comment: The p.E905V variant (also known as c.2714A>T), located in coding exon 14 of the FANCM gene, results from an A to T substitution at nucleotide position 2714. The glutamic acid at codon 905 is replaced by valine, an amino acid with dissimilar properties. This amino acid position is conserved. In addition, this alteration is predicted to be tolerated by in silico analysis. Based on the available evidence, the clinical significance of this variant remains unclear.

Labcorp Genetics (formerly Invitae), Labcorp
Classification: Uncertain significance for Fanconi anemia. Last evaluated: 2024-11-13. Review status: criteria provided, single submitter. Criteria: Invitae Variant Classification Sherloc (09022015). Collection method: clinical testing. Allele origin: germline.
Comment: This sequence change replaces glutamic acid, which is acidic and polar, with valine, which is neutral and non-polar, at codon 905 of the FANCM protein (p.Glu905Val). This variant is present in population databases (rs770155583, gnomAD 0.002%). This variant has not been reported in the literature in individuals affected with FANCM-related conditions. ClinVar contains an entry for this variant (Variation ID: 961206). An algorithm developed to predict the effect of missense changes on protein structure and function (PolyPhen-2) suggests that this variant is likely to be tolerated. In summary, the available evidence is currently insufficient to determine the role of this variant in disease. Therefore, it has been classified as a Variant of Uncertain Significance.

GeneDx
Classification: Uncertain significance. Last evaluated: 2023-11-06. Review status: criteria provided, single submitter. Criteria: GeneDx Variant Classification Process June 2021. Collection method: clinical testing. Allele origin: germline. Affected: yes.
Comment: Not observed at significant frequency in large population cohorts (gnomAD); In silico analysis supports that this missense variant has a deleterious effect on protein structure/function; Has not been previously published as pathogenic or benign to our knowledge

Fulgent Genetics
Classification: Uncertain significance for Spermatogenic failure 28; Premature ovarian failure 15. Last evaluated: 2022-04-19. Review status: criteria provided, single submitter. Criteria: ACMG Guidelines, 2015. Collection method: clinical testing. Allele origin: unknown.

Blueprint Genetics
Classification: Uncertain significance. Last evaluated: 2018-07-03. Review status: criteria provided, single submitter. Criteria: ACMG Guidelines, 2015. Collection method: clinical testing. Allele origin: germline.